The following is an entry in ClinVar:

ClinVar aggregate classification (germline): Conflicting classifications of pathogenicity. Review status: criteria provided, conflicting classifications (1 of 4 stars). 2 submissions from 2 submitters: Uncertain significance (1); Likely benign (1). Last evaluated 2025-08-31.

Conditions:
Joubert syndrome 23 (JBTS23). Identifiers: Orphanet 475, MedGen C4084822, MONDO:0014664, OMIM 616490.
Short-rib thoracic dysplasia 14 with polydactyly (SRTD14). Identifiers: Orphanet 397715, MedGen C4225286, MONDO:0014688, OMIM 616546.
Inborn genetic diseases. Identifiers: MedGen C0950123, MeSH D030342.

Allele frequency attached by ClinVar (database versions not stated): gnomAD exomes 0.00011; TOPMed 0.00020; gnomAD 0.00023 and 0.00024.

Submissions (2):

Ambry Genetics
Classification: Likely benign for Inborn genetic diseases. Last evaluated: 2025-08-31. Review status: criteria provided, single submitter. Criteria: Ambry Variant Classification Scheme 2023. Collection method: clinical testing. Allele origin: germline.

Labcorp Genetics (formerly Invitae), Labcorp
Classification: Uncertain significance for Joubert syndrome 23; Short-rib thoracic dysplasia 14 with polydactyly. Last evaluated: 2024-02-24. Review status: criteria provided, single submitter. Criteria: Invitae Variant Classification Sherloc (09022015). Collection method: clinical testing. Allele origin: germline.
Comment: This sequence change replaces threonine, which is neutral and polar, with alanine, which is neutral and non-polar, at codon 1172 of the KIAA0586 protein (p.Thr1172Ala). This variant is present in population databases (no rsID available, gnomAD 0.08%). This variant has not been reported in the literature in individuals affected with KIAA0586-related conditions. ClinVar contains an entry for this variant (Variation ID: 1381044). Advanced modeling of protein sequence and biophysical properties (such as structural, functional, and spatial information, amino acid conservation, physicochemical variation, residue mobility, and thermodynamic stability) performed at Invitae indicates that this missense variant is not expected to disrupt KIAA0586 protein function with a negative predictive value of 80%. In summary, the available evidence is currently insufficient to determine the role of this variant in disease. Therefore, it has been classified as a Variant of Uncertain Significance.

NM_001329943.3(KIAA0586):c.3355A>G (p.Thr1119Ala)

Gene: KIAA0586 (KIAA0586; plus strand). Cytogenetic location: 14q23.1.
Variant type: single nucleotide variant.
Coding change: c.3355A>G on transcript NM_001329943.3 (MANE Select); coding-DNA position 3355, A replaced by G.
Protein change: p.Thr1119Ala; replaces threonine 1119 with alanine.
Molecular consequence: missense variant.
Genome position (GRCh38, 1-based): chr14:58,487,937, A>G. VCF-style: chr14-58487937-A-G. GRCh37 (hg19) VCF-style: chr14-58954655-A-G.
Other names: c.3514A>G, p.Thr1172Ala (NM_001244189.2); c.3310A>G, p.Thr1104Ala (NM_001244190.2); c.3100A>G, p.Thr1034Ala (NM_001244191.2, NM_001329945.2, NM_001364700.1 and 1 more transcripts); c.3223A>G, p.Thr1075Ala (NM_001244192.2); c.2935A>G, p.Thr979Ala (NM_001244193.2); c.3355A>G, p.Thr1119Ala (NM_001329944.2, NM_001329946.2, NM_001329947.2); c.3127A>G, p.Thr1043Ala (NM_014749.5); c.3127A>G (NM_014749.3); short protein forms T1043A, T1075A, T1119A, T1172A, T1034A, T979A, T1104A.
Identifiers: ClinVar variation 1381044 (VCV001381044.5), dbSNP rs896789657, ClinGen allele CA261647670.